The following is an entry in ClinVar:

NM_001972.4(ELANE):c.235G>T (p.Ala79Ser)

Gene: ELANE (elastase, neutrophil expressed; plus strand). Cytogenetic location: 19p13.3.
Variant type: single nucleotide variant.
Coding change: c.235G>T on transcript NM_001972.4 (MANE Select); coding-DNA position 235, G replaced by T.
Protein change: p.Ala79Ser; replaces alanine 79 with serine.
Molecular consequence: missense variant.
Genome position (GRCh38, 1-based): chr19:853,272, G>T. VCF-style: chr19-853272-G-T. GRCh37 (hg19) VCF-style: chr19-853272-G-T.
Other names: c.235G>T (LRG_57t1, NM_001972.3); short protein forms A79S.
Identifiers: ClinVar variation 618080 (VCV000618080.17), dbSNP rs769123461, ClinGen allele CA9025981.

ClinVar aggregate classification (germline): Conflicting classifications of pathogenicity. Review status: criteria provided, conflicting classifications (1 of 4 stars). 5 submissions from 5 submitters: Uncertain significance (3); Likely benign (2). Last evaluated 2026-03-29.

Conditions:
ELANE-related disorder. Also called: ELANE-related condition.
Neutropenia, severe congenital, 1, autosomal dominant. Identifiers: MedGen C1859966, MONDO:0042490, OMIM 202700.
Cyclical neutropenia. Also called: Cyclic hematopoiesis; Cyclic Neutropenia. Identifiers: Orphanet 2686, MedGen C0221023, MONDO:0008090, OMIM 162800, HP:0040289. Disease mechanism: loss of function.
Inborn genetic diseases. Identifiers: MedGen C0950123, MeSH D030342.

Allele frequency attached by ClinVar (database versions not stated): gnomAD 0.00001; TOPMed 0.00003; ExAC 0.00009.
gnomAD v4.1: 12 of 1,603,074 alleles (0.00075%); highest among the groups gnomAD compares: Admixed American, 0.02%; no homozygotes.

Submissions (5):

PreventionGenetics, part of Exact Sciences
Classification: Uncertain significance for ELANE-related condition. Last evaluated: 2026-03-29. Review status: criteria provided, single submitter. Criteria: ACMG Guidelines, 2015. Collection method: clinical testing. Allele origin: germline.
Comment: The ELANE c.235G>T variant is predicted to result in the amino acid substitution p.Ala79Ser. To our knowledge, this variant has not been reported in the literature. This variant is reported in 0.033% of alleles in individuals of Latino descent in gnomAD, which is likely too common for an undocumented disease-causing variant. Although we suspect that this variant may be benign, at this time, the clinical significance of this variant is uncertain due to the absence of conclusive functional and genetic evidence.

Labcorp Genetics (formerly Invitae), Labcorp
Classification: Likely benign for Neutropenia, severe congenital, 1, autosomal dominant; Cyclical neutropenia. Last evaluated: 2026-01-03. Review status: criteria provided, single submitter. Criteria: Invitae Variant Classification Sherloc (09022015). Collection method: clinical testing. Allele origin: germline.

Ambry Genetics
Classification: Likely benign for Inborn genetic diseases. Last evaluated: 2025-08-23. Review status: criteria provided, single submitter. Criteria: Ambry Variant Classification Scheme 2023. Collection method: clinical testing. Allele origin: germline.

GeneDx
Classification: Uncertain significance. Last evaluated: 2021-03-30. Review status: criteria provided, single submitter. Criteria: GeneDx Variant Classification Process June 2021. Collection method: clinical testing. Allele origin: germline. Affected: yes.
Comment: In silico analysis supports that this missense variant does not alter protein structure/function; Has not been previously published as pathogenic or benign to our knowledge

ARUP Laboratories, Molecular Genetics and Genomics, ARUP Laboratories
Classification: Uncertain significance. Last evaluated: 2017-05-22. Review status: criteria provided, single submitter. Criteria: ARUP Molecular Germline Variant Investigation Process. Collection method: clinical testing. Allele origin: germline.
Comment: The ELANE c.235G>T;p.Ala79Ser variant has not been published in the medical literature, gene-specific databases, or in the ClinVar database. The variant is listed in the dbSNP variant database (rs769123461) with an allele frequency of 0.0009092 percent (2/219966 alleles) in the Genome Aggregation Database. The amino acid at this position is weakly conserved across species and computational algorithms (Align GVGD, PolyPhen2, SIFT) predict this variant is tolerated. Considering available information, the clinical significance of this variant cannot be determined with certainty.